The following is an entry in ClinVar:

NM_000203.5(IDUA):c.617C>T (p.Ser206Leu)

Gene: IDUA (alpha-L-iduronidase; plus strand). Cytogenetic location: 4p16.3.
Variant type: single nucleotide variant.
Coding change: c.617C>T on transcript NM_000203.5 (MANE Select); coding-DNA position 617, C replaced by T.
Protein change: p.Ser206Leu; replaces serine 206 with leucine.
Molecular consequence: missense variant. On other transcripts: non-coding transcript variant (1).
Genome position (GRCh38, 1-based): chr4:1,001,706, C>T. VCF-style: chr4-1001706-C-T. GRCh37 (hg19) VCF-style: chr4-995494-C-T.
Other names: NM_000203.5(IDUA):c.617C>T; p.Ser206Leu; c.221C>T, p.Ser74Leu (NM_001363576.1); short protein forms S74L, S206L.
Identifiers: ClinVar variation 1436435 (VCV001436435.7), dbSNP rs756131787, ClinGen allele CA2802033.
Genomic context (GRCh38, chr4:1,001,706, plus strand): 5'-GGCAGGTGTAGACGCAGTGCTCCCCCGGCCCAGGCTTCCTGAACTACTACGATGCCTGCT[C>T]GGAGGGTCTGCGCGCCGCCAGCCCCGCCCTGCGGCTGGGAGGCCCCGGCGACTCCTTCCA-3'
Protein context (NP_000194.2, residues 196-216): QGFLNYYDAC[Ser206Leu]EGLRAASPAL

ClinVar aggregate classification (germline): Uncertain significance. Review status: reviewed by expert panel (3 of 4 stars). 2 submissions from 2 submitters: Uncertain significance (1). 1 of the submissions does not count toward it. Last evaluated 2026-07-20.

Conditions:
Mucopolysaccharidosis type 1. Also called: IDUA deficiency; MPS I; Mucopolysaccharidosis Type I. Identifiers: Orphanet 579, MedGen C0023786, MONDO:0001586.

Allele frequency attached by ClinVar (database versions not stated): gnomAD 0.00001; gnomAD exomes 0.00001; ExAC 0.00002.
gnomAD v4.1: 13 of 1,599,634 alleles (0.00081%); highest among the groups gnomAD compares: Middle Eastern, 0.016%; no homozygotes.

Submissions (2):

ClinGen Lysosomal Storage Disorder Variant Curation Expert Panel
Classification: Uncertain significance for Mucopolysaccharidosis type 1. Last evaluated: 2026-07-20. Review status: reviewed by expert panel. Criteria: ClinGen LSD ACMG Specifications IDUA V1.2.0. Collection method: curation. Allele origin: germline. Inheritance: Autosomal recessive inheritance.
Comment: The NM_000203.5(IDUA):c.617C>T variant in IDUA is a missense variant in Exon 6, where Serine (Ser, S) is replaced by Leucine (Leu, L) at position 206 p.(Ser206Leu). The variant has been detected in at least one proband with MPS1 (PMIDs: 34573925, 29801497). The proband is compound heterozygous for this variant and a second variant c.355G>T (p.D119Y), which has been classified as a variant of uncertain significance by the ClinGen Lysosomal Diseases VCEP. GAG levels show DS at 0.11 (< 0.80 μg/mL), HS at 0.17 (< 0.78 μg/mL), and KS at 0.83 (< 7.90 μg/mL). The highest population minor allele frequency in gnomAD v4.1 is 0.0000059 (7/1178822 alleles) in the European (non-Finnish) genetic ancestry group; this is lower than the ClinGen Lysosomal Diseases VCEP’s threshold for PM2_Supporting (<0.00025), meeting this criterion (PM2_Supporting). The computational predictor REVEL gives a score of 0.838, which is above the threshold of 0.773, evidence that correlates with impact to IDUA function at the moderate level based on the specifications of the ClinGen Lysosomal Diseases VCEP (PMID: 36413997) (PP3_Moderate). In summary, this variant meets the criteria to be classified as Uncertain Significance for MPS1 based on the IDUA-specific ACMG/AMP criteria applied, as specified by the ClinGen Lysosomal Disease Variant Curation Expert Panel (Specifications Version 1.2.0): PP3_Modearte, PM2_Supporting. (Classification approved by the ClinGen Lysosomal Diseases Variant Curation Expert Panel on July 20, 2026)

Labcorp Genetics (formerly Invitae), Labcorp
Classification: Uncertain significance for Mucopolysaccharidosis type 1. Last evaluated: 2024-04-10. Review status: criteria provided, single submitter. Criteria: Invitae Variant Classification Sherloc (09022015). Collection method: clinical testing. Allele origin: germline. Not counted in ClinVar's aggregate classification.
Comment: This sequence change replaces serine, which is neutral and polar, with leucine, which is neutral and non-polar, at codon 206 of the IDUA protein (p.Ser206Leu). The frequency data for this variant in the population databases is considered unreliable, as metrics indicate poor data quality at this position in the gnomAD database. This missense change has been observed in individual(s) with mucopolysaccharidosis type I (PMID: 29801497). ClinVar contains an entry for this variant (Variation ID: 1436435). Advanced modeling of protein sequence and biophysical properties (such as structural, functional, and spatial information, amino acid conservation, physicochemical variation, residue mobility, and thermodynamic stability) performed at Invitae indicates that this missense variant is expected to disrupt IDUA protein function with a positive predictive value of 80%. In summary, the available evidence is currently insufficient to determine the role of this variant in disease. Therefore, it has been classified as a Variant of Uncertain Significance.

Literature cited by the submitters: PubMed 29801497 (cited by Labcorp Genetics (formerly Invitae), Labcorp).